The following is an entry in ClinVar:

ClinVar aggregate classification (germline): Uncertain significance (1 of 4 stars; one submission).

Submission:

Mayo Clinic Laboratories, Mayo Clinic
Classification: Uncertain significance. Last evaluated: 2023-07-17. Review status: criteria provided, single submitter. Criteria: ACMG Guidelines, 2015. Collection method: clinical testing. Allele origin: germline. Observed: 1 variant allele.
Comment: PM2

NM_001364905.1(LRBA):c.7546A>T (p.Thr2516Ser)

Gene: LRBA (LPS responsive beige-like anchor protein; minus strand). Cytogenetic location: 4q31.3.
Variant type: single nucleotide variant.
Coding change: c.7546A>T on transcript NM_001364905.1 (MANE Select); coding-DNA position 7546, A replaced by T.
Protein change: p.Thr2516Ser; replaces threonine 2516 with serine.
Molecular consequence: missense variant.
Genome position (GRCh38, 1-based): chr4:150,321,275, T>A on the plus strand (A>T on the coding strand, the complement: LRBA is on the minus strand). VCF-style: chr4-150321275-T-A. GRCh37 (hg19) VCF-style: chr4-151242427-T-A.
Other names: p.Thr2527Ser; c.7546A>T, p.Thr2516Ser (NM_001199282.3); c.7561A>T, p.Thr2521Ser (NM_001367550.1); c.7579A>T, p.Thr2527Ser (NM_006726.5); short protein forms T2516S, T2521S, T2527S.
Identifiers: ClinVar variation 3379560 (VCV003379560.1).